The following is an entry in ClinVar:

ClinVar aggregate classification (germline): Likely benign. Review status: criteria provided, single submitter (1 of 4 stars). 2 submissions from 2 submitters: Likely benign (1). 1 of the submissions does not count toward it. Last evaluated 2024-11-26.

Conditions:
ADIPOQ-related disorder. Also called: ADIPOQ-related condition.

Allele frequency attached by ClinVar (database versions not stated): ESP Exome Variant Server 0.09250; TOPMed 0.11480; ExAC 0.12891; 1000 Genomes Project 30x 0.14663; 1000 Genomes Project 0.15136.
gnomAD v4.1: 198,197 of 1,614,010 alleles (12%); highest among the groups gnomAD compares: East Asian, 30%; 13,827 homozygotes.

Submissions (2):

Blueprint Genetics
Classification: Likely benign. Last evaluated: 2024-11-26. Review status: criteria provided, single submitter. Criteria: ACMG Guidelines, 2015. Collection method: clinical testing. Allele origin: germline.

PreventionGenetics, part of Exact Sciences
Classification: Benign for ADIPOQ-related condition. Last evaluated: 2019-10-30. Review status: no assertion criteria provided. Collection method: clinical testing. Allele origin: germline. Not counted in ClinVar's aggregate classification.
Comment: This variant is classified as benign based on ACMG/AMP sequence variant interpretation guidelines (Richards et al. 2015 PMID: 25741868, with internal and published modifications).

NM_004797.4(ADIPOQ):c.45T>G (p.Gly15=)

Genes: ADIPOQ (adiponectin, C1Q and collagen domain containing; plus strand), ADIPOQ-AS1 (ADIPOQ antisense RNA 1; minus strand). Cytogenetic location: 3q27.3.
Variant type: single nucleotide variant.
Coding change: c.45T>G on transcript NM_004797.4 (MANE Select); coding-DNA position 45, T replaced by G.
Protein change: p.Gly15=; no amino-acid change (glycine 15 retained).
Molecular consequence: synonymous variant. On other transcripts: non-coding transcript variant (1).
Genome position (GRCh38, 1-based): chr3:186,853,103, T>G. VCF-style: chr3-186853103-T-G. GRCh37 (hg19) VCF-style: chr3-186570892-T-G.
Other names: c.45T>G, p.Gly15= (NM_001177800.2).
Identifiers: ClinVar variation 3060531 (VCV003060531.3), dbSNP rs2241766, ClinGen allele CA2747892.